The following is an entry in ClinVar:

NM_015330.6(SPECC1L):c.464G>T (p.Arg155Leu)

Genes: SPECC1L (sperm antigen with calponin homology and coiled-coil domains 1 like; plus strand), SPECC1L-ADORA2A (SPECC1L-ADORA2A readthrough (NMD candidate); plus strand). Cytogenetic location: 22q11.23.
Variant type: single nucleotide variant.
Coding change: c.464G>T on transcript NM_015330.6 (MANE Select); coding-DNA position 464, G replaced by T.
Protein change: p.Arg155Leu; replaces arginine 155 with leucine.
Molecular consequence: missense variant. On other transcripts: non-coding transcript variant (1).
Genome position (GRCh38, 1-based): chr22:24,321,444, G>T. VCF-style: chr22-24321444-G-T. GRCh37 (hg19) VCF-style: chr22-24717412-G-T.
Other names: c.464G>T, p.Arg155Leu (NM_001145468.4, NM_001254732.3); short protein forms R155L.
Identifiers: ClinVar variation 161536 (VCV000161536.2), dbSNP rs193920978, ClinGen allele CA174289.

ClinVar aggregate classification (germline): Uncertain significance (0 of 4 stars; one submission).

Conditions:
Prostate cancer. Also called: Malignant tumor of prostate. Identifiers: Orphanet 1331, MedGen C0376358, MONDO:0008315, HP:0012125.

Allele frequency attached by ClinVar (database versions not stated): gnomAD exomes below 0.00001.
gnomAD v4.1: 8 of 1,614,244 alleles (0.0005%); highest among the groups gnomAD compares: Non-Finnish European, 0.00068%; no homozygotes.

Submission:

Science for Life laboratory,  Karolinska Institutet
Classification: Uncertain significance for Malignant tumor of prostate. Review status: no assertion criteria provided. Collection method: not provided. Allele origin: somatic.
Comment: TumorID:SWE-4
ClinVar note: Converted during submission from Unknown to Uncertain significance.